The following is an entry in ClinVar:

ClinVar aggregate classification (germline): Uncertain significance (1 of 4 stars; one submission).

gnomAD v4.1: 2 of 1,612,364 alleles (0.00012%); highest among the groups gnomAD compares: East Asian, 0.0022%; no homozygotes.

Submission:

Labcorp Genetics (formerly Invitae), Labcorp
Classification: Uncertain significance. Last evaluated: 2024-02-02. Review status: criteria provided, single submitter. Criteria: Invitae Variant Classification Sherloc (09022015). Collection method: clinical testing. Allele origin: germline.
Comment: This sequence change replaces glutamic acid, which is acidic and polar, with aspartic acid, which is acidic and polar, at codon 511 of the ITGB3 protein (p.Glu511Asp). This variant is not present in population databases (gnomAD no frequency). This variant has not been reported in the literature in individuals affected with ITGB3-related conditions. Advanced modeling of protein sequence and biophysical properties (such as structural, functional, and spatial information, amino acid conservation, physicochemical variation, residue mobility, and thermodynamic stability) performed at Invitae indicates that this missense variant is not expected to disrupt ITGB3 protein function with a negative predictive value of 80%. In summary, the available evidence is currently insufficient to determine the role of this variant in disease. Therefore, it has been classified as a Variant of Uncertain Significance.

NM_000212.3(ITGB3):c.1533A>T (p.Glu511Asp)

Gene: ITGB3 (integrin subunit beta 3; plus strand). Cytogenetic location: 17q21.32.
Variant type: single nucleotide variant.
Coding change: c.1533A>T on transcript NM_000212.3 (MANE Select); coding-DNA position 1533, A replaced by T.
Protein change: p.Glu511Asp; replaces glutamic acid 511 with aspartic acid.
Molecular consequence: missense variant.
Genome position (GRCh38, 1-based): chr17:47,292,411, A>T. VCF-style: chr17-47292411-A-T. GRCh37 (hg19) VCF-style: chr17-45369777-A-T.
Other names: short protein forms E511D.
Identifiers: ClinVar variation 3710400 (VCV003710400.2).
Genomic context (GRCh38, chr17:47,292,411, plus strand): 5'-CTGGCTGGGATCCCAGTGTGAGTGCTCAGAGGAGGACTATCGCCCTTCCCAGCAGGACGA[A>T]TGCAGCCCCCGGGAGGGTCAGCCCGTCTGCAGCCAGCGGGGCGAGTGCCTCTGTGGTCAA-3'
Protein context (NP_000203.2, residues 501-521): EEDYRPSQQD[Glu511Asp]CSPREGQPVC